The following is an entry in ClinVar:

NM_000687.4(AHCY):c.662A>G (p.Tyr221Cys)

Gene: AHCY (adenosylhomocysteinase; minus strand). Cytogenetic location: 20q11.22.
Variant type: single nucleotide variant.
Coding change: c.662A>G on transcript NM_000687.4 (MANE Select); coding-DNA position 662, A replaced by G.
Protein change: p.Tyr221Cys; replaces tyrosine 221 with cysteine.
Molecular consequence: missense variant.
Genome position (GRCh38, 1-based): chr20:34,290,835, T>C on the plus strand (A>G on the coding strand, the complement: AHCY is on the minus strand). VCF-style: chr20-34290835-T-C. GRCh37 (hg19) VCF-style: chr20-32878641-T-C.
Other names: c.578A>G, p.Tyr193Cys (NM_001161766.2, NM_001322084.2, NM_001322085.2); c.668A>G, p.Tyr223Cys (NM_001322086.2); c.662A>G, p.Tyr221Cys (NM_001362750.2); short protein forms Y193C, Y221C, Y223C.
Identifiers: ClinVar variation 2414282 (VCV002414282.5), dbSNP rs765720284, ClinGen allele CA408657872.

ClinVar aggregate classification (germline): Uncertain significance (1 of 4 stars; one submission).

Conditions:
Hypermethioninemia with deficiency of S-adenosylhomocysteine hydrolase. Identifiers: Orphanet 88618, MedGen C3151058, MONDO:0013404, OMIM 613752.

gnomAD v4.1: 6 of 1,614,026 alleles (0.00037%); highest among the groups gnomAD compares: East Asian, 0.0022%; no homozygotes.

Submission:

Labcorp Genetics (formerly Invitae), Labcorp
Classification: Uncertain significance for Hypermethioninemia with deficiency of S-adenosylhomocysteine hydrolase. Last evaluated: 2022-07-06. Review status: criteria provided, single submitter. Criteria: Invitae Variant Classification Sherloc (09022015). Collection method: clinical testing. Allele origin: germline.
Comment: In summary, the available evidence is currently insufficient to determine the role of this variant in disease. Therefore, it has been classified as a Variant of Uncertain Significance. Algorithms developed to predict the effect of missense changes on protein structure and function are either unavailable or do not agree on the potential impact of this missense change (SIFT: "Not Available"; PolyPhen-2: "Probably Damaging"; Align-GVGD: "Not Available"). This variant has not been reported in the literature in individuals affected with AHCY-related conditions. This variant is not present in population databases (gnomAD no frequency). This sequence change replaces tyrosine, which is neutral and polar, with cysteine, which is neutral and slightly polar, at codon 221 of the AHCY protein (p.Tyr221Cys).